The following is an entry in ClinVar:

NM_017780.4(CHD7):c.6001G>A (p.Ala2001Thr)

Gene: CHD7 (chromodomain helicase DNA binding protein 7; plus strand). Cytogenetic location: 8q12.2.
Variant type: single nucleotide variant.
Coding change: c.6001G>A on transcript NM_017780.4 (MANE Select); coding-DNA position 6001, G replaced by A.
Protein change: p.Ala2001Thr; replaces alanine 2001 with threonine.
Molecular consequence: missense variant. On other transcripts: intron variant (1).
Genome position (GRCh38, 1-based): chr8:60,852,604, G>A. VCF-style: chr8-60852604-G-A. GRCh37 (hg19) VCF-style: chr8-61765163-G-A.
Other names: c.6001G>A (NM_017780.3); c.1717-9625G>A (NM_001316690.1); short protein forms A2001T.
Identifiers: ClinVar variation 2893311 (VCV002893311.6), dbSNP rs1485572552, ClinGen allele CA371323899.

ClinVar aggregate classification (germline): Uncertain significance. Review status: criteria provided, multiple submitters, no conflicts (2 of 4 stars). 3 submissions from 3 submitters: Uncertain significance (3). Last evaluated 2025-02-26.

Conditions:
Inborn genetic diseases. Identifiers: MedGen C0950123, MeSH D030342.
CHARGE syndrome (CHARGE). Also called: Hittner Hirsch Kreh syndrome; CHARGE ASSOCIATION--COLOBOMA, HEART ANOMALY, CHOANAL ATRESIA, RETARDATION, GENITAL AND EAR ANOMALIES; Coloboma, heart anomaly, choanal atresia, retardation, genital and ear anomalies; CHARGE association; Hall-Hittner syndrome. Identifiers: Orphanet 138, MedGen C0265354, MONDO:0008965.

Allele frequency attached by ClinVar (database versions not stated): gnomAD 0.00001; TOPMed 0.00001.
gnomAD v4.1: 5 of 1,613,812 alleles (0.00031%); highest among the groups gnomAD compares: Non-Finnish European, 0.00042%; no homozygotes.

Submissions (3):

GeneDx
Classification: Uncertain significance. Last evaluated: 2025-02-26. Review status: criteria provided, single submitter. Criteria: GeneDx Variant Classification Process June 2021. Collection method: clinical testing. Allele origin: germline. Affected: yes.
Comment: Not observed at significant frequency in large population cohorts (gnomAD); In silico analysis supports that this missense variant has a deleterious effect on protein structure/function; Has not been previously published as pathogenic or benign to our knowledge

Ambry Genetics
Classification: Uncertain significance for Inborn genetic diseases. Last evaluated: 2024-02-28. Review status: criteria provided, single submitter. Criteria: Ambry Variant Classification Scheme 2023. Collection method: clinical testing. Allele origin: germline.

Labcorp Genetics (formerly Invitae), Labcorp
Classification: Uncertain significance for CHARGE syndrome. Last evaluated: 2023-09-20. Review status: criteria provided, single submitter. Criteria: Invitae Variant Classification Sherloc (09022015). Collection method: clinical testing. Allele origin: germline.
Comment: Advanced modeling of protein sequence and biophysical properties (such as structural, functional, and spatial information, amino acid conservation, physicochemical variation, residue mobility, and thermodynamic stability) performed at Invitae indicates that this missense variant is expected to disrupt CHD7 protein function. In summary, the available evidence is currently insufficient to determine the role of this variant in disease. Therefore, it has been classified as a Variant of Uncertain Significance. This sequence change replaces alanine, which is neutral and non-polar, with threonine, which is neutral and polar, at codon 2001 of the CHD7 protein (p.Ala2001Thr). This variant is not present in population databases (gnomAD no frequency). This variant has not been reported in the literature in individuals affected with CHD7-related conditions.